The following is an entry in ClinVar:

ClinVar aggregate classification (germline): Benign/Likely benign. Review status: criteria provided, multiple submitters, no conflicts (2 of 4 stars). 6 submissions from 6 submitters: Benign (5); Likely benign (1). Last evaluated 2026-05-05.

Conditions:
SYNE2-related disorder. Also called: SYNE2-related condition.
Emery-Dreifuss muscular dystrophy 5, autosomal dominant (EDMD5). Also called: EMERY-DREIFUSS MUSCULAR DYSTROPHY 5. Identifiers: Orphanet 261, MedGen C2751805, MONDO:0013072, OMIM 612999.

Allele frequency attached by ClinVar (database versions not stated): gnomAD 0.00474 and 0.00432; TOPMed 0.00480; gnomAD exomes 0.00037 and 0.00115; ExAC 0.00198; 1000 Genomes Project 0.00359; 1000 Genomes Project 30x 0.00375; ESP Exome Variant Server 0.00455.
gnomAD v4.1: 1,204 of 1,560,846 alleles (0.077%); highest among the groups gnomAD compares: African/African-American, 1.5%; 7 homozygotes.

Submissions (6):

PreventionGenetics, part of Exact Sciences
Classification: Benign for SYNE2-related condition. Last evaluated: 2026-05-05. Review status: criteria provided, single submitter. Criteria: ACMG Guidelines, 2015. Collection method: clinical testing. Allele origin: germline.
Comment: This variant is classified as benign based on ACMG/AMP sequence variant interpretation guidelines (Richards et al. 2015 PMID: 25741868, with internal and published modifications).

Labcorp Genetics (formerly Invitae), Labcorp
Classification: Benign for Emery-Dreifuss muscular dystrophy 5, autosomal dominant. Last evaluated: 2026-01-12. Review status: criteria provided, single submitter. Criteria: Invitae Variant Classification Sherloc (09022015). Collection method: clinical testing. Allele origin: germline.

Athena Diagnostics
Classification: Benign. Last evaluated: 2024-08-01. Review status: criteria provided, single submitter. Criteria: Athena Diagnostics Criteria. Collection method: clinical testing. Allele origin: unknown.

Fulgent Genetics
Classification: Likely benign for Emery-Dreifuss muscular dystrophy 5, autosomal dominant. Last evaluated: 2022-01-13. Review status: criteria provided, single submitter. Criteria: ACMG Guidelines, 2015. Collection method: clinical testing. Allele origin: unknown.

Illumina Laboratory Services, Illumina
Classification: Benign for Emery-Dreifuss muscular dystrophy 5, autosomal dominant. Last evaluated: 2018-01-12. Review status: criteria provided, single submitter. Criteria: ICSL Variant Classification Criteria 13 December 2019. Collection method: clinical testing. Allele origin: germline.
Comment: This variant was observed in the ICSL laboratory as part of a predisposition screen in an ostensibly healthy population. It had not been previously curated by ICSL or reported in the Human Gene Mutation Database (HGMD: prior to June 1st, 2018), and was therefore a candidate for classification through an automated scoring system. Utilizing variant allele frequency, disease prevalence and penetrance estimates, and inheritance mode, an automated score was calculated to assess if this variant is too frequent to cause the disease. Based on the score and internal cut-off values, a variant classified as benign is not then subjected to further curation. The score for this variant resulted in a classification of benign for this disease.

Breakthrough Genomics
Classification: Benign. Review status: criteria provided, single submitter. Criteria: ACMG Guidelines, 2015. Collection method: not provided. Allele origin: germline. Inheritance: Autosomal dominant inheritance. Affected: yes.

NM_182914.3(SYNE2):c.2803T>C (p.Leu935=)

Gene: SYNE2 (spectrin repeat containing nuclear envelope protein 2; plus strand). Cytogenetic location: 14q23.2.
Variant type: single nucleotide variant.
Coding change: c.2803T>C on transcript NM_182914.3 (MANE Select); coding-DNA position 2803, T replaced by C.
Protein change: p.Leu935=; no amino-acid change (leucine 935 retained).
Molecular consequence: synonymous variant.
Genome position (GRCh38, 1-based): chr14:63,995,065, T>C. VCF-style: chr14-63995065-T-C. GRCh37 (hg19) VCF-style: chr14-64461783-T-C.
Other names: c.2803T>C, p.Leu935= (NM_015180.6).
Identifiers: ClinVar variation 313497 (VCV000313497.19), dbSNP rs114718315, ClinGen allele CA7219803.